The following is an entry in ClinVar:

ClinVar aggregate classification (germline): Benign. Review status: criteria provided, multiple submitters, no conflicts (2 of 4 stars). 9 submissions from 9 submitters: Benign (7). 2 of the submissions do not count toward it. Last evaluated 2026-02-04.

Conditions:
Immunodeficiency 18 (IMD18). Also called: CD3epsilon deficiency; CD3-EPSILON DEFICIENCY. Identifiers: MedGen C3810127, MONDO:0014278, OMIM 615615.

Allele frequency attached by ClinVar (database versions not stated): 1000 Genomes Project 30x 0.22423; 1000 Genomes Project 0.22544; ESP Exome Variant Server 0.24061; gnomAD 0.25335 and 0.25648; TOPMed 0.25587; ExAC 0.30607; gnomAD exomes 0.31034 and 0.31870.
gnomAD v4.1: 485,755 of 1,593,588 alleles (30%); highest among the groups gnomAD compares: Admixed American, 48%; 78,604 homozygotes.

Submissions (9):

Labcorp Genetics (formerly Invitae), Labcorp
Classification: Benign for Immunodeficiency 18. Last evaluated: 2026-02-04. Review status: criteria provided, single submitter. Criteria: Invitae Variant Classification Sherloc (09022015). Collection method: clinical testing. Allele origin: germline.

Unidad de Genómica Garrahan, Hospital de Pediatría Garrahan
Classification: Benign. Last evaluated: 2023-11-12. Review status: criteria provided, single submitter. Criteria: ACMG Guidelines, 2015. Collection method: clinical testing. Allele origin: germline. Affected: no. Observed: 64 variant alleles.
Comment: This variant is classified as Benign based on local population frequency. This variant was detected in 67% of patients studied by a panel of primary immunodeficiencies. Number of patients: 64. Only high quality variants are reported.

Mayo Clinic Laboratories, Mayo Clinic
Classification: Benign. Last evaluated: 2018-03-22. Review status: criteria provided, single submitter. Criteria: ACMG Guidelines, 2015. Collection method: clinical testing. Allele origin: germline. Observed: 56 variant alleles.

Illumina Laboratory Services, Illumina
Classification: Benign for Immunodeficiency 18. Last evaluated: 2018-01-13. Review status: criteria provided, single submitter. Criteria: ICSL Variant Classification Criteria 13 December 2019. Collection method: clinical testing. Allele origin: germline.
Comment: This variant was observed in the ICSL laboratory as part of a predisposition screen in an ostensibly healthy population. It had not been previously curated by ICSL or reported in the Human Gene Mutation Database (HGMD: prior to June 1st, 2018), and was therefore a candidate for classification through an automated scoring system. Utilizing variant allele frequency, disease prevalence and penetrance estimates, and inheritance mode, an automated score was calculated to assess if this variant is too frequent to cause the disease. Based on the score and internal cut-off values, a variant classified as benign is not then subjected to further curation. The score for this variant resulted in a classification of benign for this disease.

Laboratory for Molecular Medicine, Mass General Brigham Personalized Medicine
Classification: Benign. Last evaluated: 2016-03-28. Review status: criteria provided, single submitter. Criteria: LMM Criteria. Collection method: clinical testing. Allele origin: germline.
Comment: Variant identified in a genome or exome case(s) and assessed due to predicted null impact of the variant or pathogenic assertions in the literature or databases. Disclaimer: This variant has not undergone full assessment. The following are preliminary notes: MAF

GeneDx
Classification: Benign. Last evaluated: 2015-03-03. Review status: criteria provided, single submitter. Criteria: GeneDx Variant Classification Process June 2021. Collection method: clinical testing. Allele origin: germline. Affected: yes.

Breakthrough Genomics
Classification: Benign. Review status: criteria provided, single submitter. Criteria: ACMG Guidelines, 2015. Collection method: not provided. Allele origin: germline. Inheritance: Autosomal recessive inheritance. Affected: yes.

Diagnostic Laboratory, Department of Genetics, University Medical Center Groningen
Classification: Benign for Immunodeficiency 18. Review status: no assertion criteria provided. Collection method: clinical testing. Allele origin: germline. Affected: yes. Study: VKGL Data-share Consensus. Not counted in ClinVar's aggregate classification.

Genome Diagnostics Laboratory, University Medical Center Utrecht
Classification: Benign. Review status: no assertion criteria provided. Collection method: clinical testing. Allele origin: germline. Affected: yes. Study: VKGL Data-share Consensus. Not counted in ClinVar's aggregate classification.

NM_000733.4(CD3E):c.54C>T (p.Gly18=)

Gene: CD3E (CD3 epsilon subunit of T-cell receptor complex; plus strand). Cytogenetic location: 11q23.3.
Variant type: single nucleotide variant.
Coding change: c.54C>T on transcript NM_000733.4 (MANE Select); coding-DNA position 54, C replaced by T.
Protein change: p.Gly18=; no amino-acid change (glycine 18 retained).
Molecular consequence: synonymous variant.
Genome position (GRCh38, 1-based): chr11:118,307,292, C>T. VCF-style: chr11-118307292-C-T. GRCh37 (hg19) VCF-style: chr11-118178007-C-T.
Other names: p.Gly18=.
Identifiers: ClinVar variation 302659 (VCV000302659.22), dbSNP rs1126924, ClinGen allele CA6301566.